The following is an entry in ClinVar:

ClinVar aggregate classification (germline): Uncertain significance. Review status: criteria provided, multiple submitters, no conflicts (2 of 4 stars). 2 submissions from 2 submitters: Uncertain significance (2). Last evaluated 2025-09-24.

Conditions:
Multiple endocrine neoplasia, type 1 (MEN1). Also called: MEN I; WERMER SYNDROME; Endocrine adenomatosis multiple; MEN 1; MEA I. Identifiers: Orphanet 652, MedGen C0025267, MeSH D018761, MONDO:0007540, OMIM 131100.
Hereditary cancer-predisposing syndrome. Also called: Tumor predisposition; Neoplastic Syndromes, Hereditary; Hereditary Cancer Syndrome; Hereditary neoplastic syndrome. Identifiers: Orphanet 140162, MedGen C0027672, MeSH D009386, MONDO:0015356.

Submissions (2):

Ambry Genetics
Classification: Uncertain significance for Hereditary cancer-predisposing syndrome. Last evaluated: 2025-09-24. Review status: criteria provided, single submitter. Criteria: Ambry Variant Classification Scheme 2023. Collection method: clinical testing. Allele origin: germline.
Comment: The p.G482S variant (also known as c.1444G>A), located in coding exon 9 of the MEN1 gene, results from a G to A substitution at nucleotide position 1444. The glycine at codon 482 is replaced by serine, an amino acid with similar properties. This amino acid position is highly conserved in available vertebrate species. In addition, the in silico prediction for this alteration is inconclusive. Based on the available evidence, the clinical significance of this variant remains unclear.

Labcorp Genetics (formerly Invitae), Labcorp
Classification: Uncertain significance for Multiple endocrine neoplasia, type 1. Last evaluated: 2025-09-14. Review status: criteria provided, single submitter. Criteria: Invitae Variant Classification Sherloc (09022015). Collection method: clinical testing. Allele origin: germline.
Comment: This sequence change replaces glycine, which is neutral and non-polar, with serine, which is neutral and polar, at codon 482 of the MEN1 protein (p.Gly482Ser). This variant is not present in population databases (gnomAD no frequency). This variant has not been reported in the literature in individuals affected with MEN1-related conditions. ClinVar contains an entry for this variant (Variation ID: 1061167). Invitae Evidence Modeling of protein sequence and biophysical properties (such as structural, functional, and spatial information, amino acid conservation, physicochemical variation, residue mobility, and thermodynamic stability) indicates that this missense variant is not expected to disrupt MEN1 protein function with a negative predictive value of 80%. In summary, the available evidence is currently insufficient to determine the role of this variant in disease. Therefore, it has been classified as a Variant of Uncertain Significance.

NM_001370259.2(MEN1):c.1444G>A (p.Gly482Ser)

Gene: MEN1 (menin 1; minus strand). Cytogenetic location: 11q13.1.
Variant type: single nucleotide variant.
Coding change: c.1444G>A on transcript NM_001370259.2 (MANE Select); coding-DNA position 1444, G replaced by A.
Protein change: p.Gly482Ser; replaces glycine 482 with serine.
Molecular consequence: missense variant.
Genome position (GRCh38, 1-based): chr11:64,804,723, C>T on the plus strand (G>A on the coding strand, the complement: MEN1 is on the minus strand). VCF-style: chr11-64804723-C-T. GRCh37 (hg19) VCF-style: chr11-64572195-C-T.
Other names: c.1339G>A, p.Gly447Ser (NM_001370263.2, NM_001370262.2); c.1459G>A, p.Gly487Ser (NM_000244.4, NM_130800.3, NM_130801.3 and 3 more transcripts); c.1570G>A, p.Gly524Ser (NM_001370251.2); c.1444G>A, p.Gly482Ser (NM_001370260.2, NM_001370261.2, NM_130799.3); c.1444G>A (NM_130799.2); short protein forms G447S, G482S, G487S, G524S.
Identifiers: ClinVar variation 1061167 (VCV001061167.10), dbSNP rs2136089783, ClinGen allele CA381179296.